The following is an entry in ClinVar:

NM_001350451.2(RBFOX3):c.321C>T (p.Pro107=)

Gene: RBFOX3 (RNA binding fox-1 homolog 3; minus strand). Cytogenetic location: 17q25.3.
Variant type: single nucleotide variant.
Coding change: c.321C>T on transcript NM_001350451.2 (MANE Select); coding-DNA position 321, C replaced by T.
Protein change: p.Pro107=; no amino-acid change (proline 107 retained).
Molecular consequence: synonymous variant.
Genome position (GRCh38, 1-based): chr17:79,106,690, G>A on the plus strand (C>T on the coding strand, the complement: RBFOX3 is on the minus strand). VCF-style: chr17-79106690-G-A. GRCh37 (hg19) VCF-style: chr17-77102772-G-A.
Other names: c.321C>T, p.Pro107= (NM_001082575.3, NM_001350453.2, NM_001385804.1 and 36 more transcripts); c.318C>T, p.Pro106= (NM_001385806.1, NM_001385822.1, NM_001385823.1 and 4 more transcripts).
Identifiers: ClinVar variation 238284 (VCV000238284.15), dbSNP rs150282906, ClinGen allele CA8810322.

ClinVar aggregate classification (germline): Benign. Review status: criteria provided, multiple submitters, no conflicts (2 of 4 stars). 3 submissions from 3 submitters: Benign (2). 1 of the submissions does not count toward it. Last evaluated 2026-02-03.

Conditions:
RBFOX3-related disorder. Also called: RBFOX3-related condition.
Idiopathic generalized epilepsy. Also called: Generalised epilepsy; EIG. Identifiers: MedGen C0270850, MONDO:0005579, OMIM 600669.

Allele frequency attached by ClinVar (database versions not stated): gnomAD exomes 0.00135 and 0.00380; ExAC 0.00138; gnomAD 0.00254 and 0.00289; TOPMed 0.00405; 1000 Genomes Project 30x 0.00859; 1000 Genomes Project 0.00899.
gnomAD v4.1: 2,292 of 1,489,880 alleles (0.15%); highest among the groups gnomAD compares: East Asian, 2.6%; 31 homozygotes.

Submissions (3):

Labcorp Genetics (formerly Invitae), Labcorp
Classification: Benign for Idiopathic generalized epilepsy. Last evaluated: 2026-02-03. Review status: criteria provided, single submitter. Criteria: Invitae Variant Classification Sherloc (09022015). Collection method: clinical testing. Allele origin: germline.

Breakthrough Genomics
Classification: Benign. Review status: criteria provided, single submitter. Criteria: ACMG Guidelines, 2015. Collection method: not provided. Allele origin: germline. Inheritance: Unknown mechanism. Affected: yes.

PreventionGenetics, part of Exact Sciences
Classification: Benign for RBFOX3-related condition. Last evaluated: 2019-03-13. Review status: no assertion criteria provided. Collection method: clinical testing. Allele origin: germline. Not counted in ClinVar's aggregate classification.
Comment: This variant is classified as benign based on ACMG/AMP sequence variant interpretation guidelines (Richards et al. 2015 PMID: 25741868, with internal and published modifications).